The following is an entry in ClinVar:

NM_024596.5(MCPH1):c.1719C>T (p.Ser573=)

Gene: MCPH1 (microcephalin 1; plus strand). Cytogenetic location: 8p23.1.
Variant type: single nucleotide variant.
Coding change: c.1719C>T on transcript NM_024596.5 (MANE Select); coding-DNA position 1719, C replaced by T.
Protein change: p.Ser573=; no amino-acid change (serine 573 retained).
Molecular consequence: synonymous variant. On other transcripts: non-coding transcript variant (1).
Genome position (GRCh38, 1-based): chr8:6,445,441, C>T. VCF-style: chr8-6445441-C-T. GRCh37 (hg19) VCF-style: chr8-6302962-C-T.
Other names: c.1719C>T, p.Ser573= (NM_001172574.2, NM_001322042.2, NM_001363979.1 and 1 more transcripts); c.1575C>T, p.Ser525= (NM_001172575.2); c.1713C>T, p.Ser571= (NM_001322043.2); c.1617C>T, p.Ser539= (NM_001322045.2).
Identifiers: ClinVar variation 158824 (VCV000158824.24), dbSNP rs35551093, ClinGen allele CA172489.

ClinVar aggregate classification (germline): Benign/Likely benign. Review status: criteria provided, multiple submitters, no conflicts (2 of 4 stars). 9 submissions from 9 submitters: Benign (6); Likely benign (1). 2 of the submissions do not count toward it. Last evaluated 2026-02-04.

Conditions:
Microcephaly 1, primary, autosomal recessive (MCPH1). Also called: PREMATURE CHROMOSOME CONDENSATION SYNDROME; PCC SYNDROME; PREMATURE CHROMOSOME CONDENSATION WITH MICROCEPHALY AND MENTAL RETARDATION. Identifiers: Orphanet 2512, MedGen C1855081, MONDO:0009617, OMIM 251200.

Allele frequency attached by ClinVar (database versions not stated): gnomAD exomes 0.00130 and 0.00313; ExAC 0.00402; ESP Exome Variant Server 0.01278; gnomAD 0.01303 and 0.01384; TOPMed 0.01390; 1000 Genomes Project 0.01577; 1000 Genomes Project 30x 0.01640.
gnomAD v4.1: 4,014 of 1,614,218 alleles (0.25%); highest among the groups gnomAD compares: African/African-American, 4.4%; 77 homozygotes.

Submissions (9):

Labcorp Genetics (formerly Invitae), Labcorp
Classification: Benign. Last evaluated: 2026-02-04. Review status: criteria provided, single submitter. Criteria: Invitae Variant Classification Sherloc (09022015). Collection method: clinical testing. Allele origin: germline.

Fulgent Genetics
Classification: Likely benign for Microcephaly 1, primary, autosomal recessive. Last evaluated: 2021-12-01. Review status: criteria provided, single submitter. Criteria: ACMG Guidelines, 2015. Collection method: clinical testing. Allele origin: unknown.

Athena Diagnostics
Classification: Benign. Last evaluated: 2018-06-14. Review status: criteria provided, single submitter. Criteria: Athena Diagnostics Criteria. Collection method: clinical testing. Allele origin: germline.

Illumina Laboratory Services, Illumina
Classification: Benign for Microcephaly 1, primary, autosomal recessive. Last evaluated: 2018-01-13. Review status: criteria provided, single submitter. Criteria: ICSL Variant Classification Criteria 13 December 2019. Collection method: clinical testing. Allele origin: germline.
Comment: This variant was observed in the ICSL laboratory as part of a predisposition screen in an ostensibly healthy population. It had not been previously curated by ICSL or reported in the Human Gene Mutation Database (HGMD: prior to June 1st, 2018), and was therefore a candidate for classification through an automated scoring system. Utilizing variant allele frequency, disease prevalence and penetrance estimates, and inheritance mode, an automated score was calculated to assess if this variant is too frequent to cause the disease. Based on the score and internal cut-off values, a variant classified as benign is not then subjected to further curation. The score for this variant resulted in a classification of benign for this disease.

GeneDx
Classification: Benign. Last evaluated: 2016-02-04. Review status: criteria provided, single submitter. Criteria: GeneDx Variant Classification (06012015). Collection method: clinical testing. Allele origin: germline. Affected: yes.
Comment: This variant is considered likely benign or benign based on one or more of the following criteria: it is a conservative change, it occurs at a poorly conserved position in the protein, it is predicted to be benign by multiple in silico algorithms, and/or has population frequency not consistent with disease.

Genetic Services Laboratory, University of Chicago
Classification: Benign. Last evaluated: 2013-07-16. Review status: criteria provided, single submitter. Criteria: ACMG Guidelines, 2007. Collection method: clinical testing. Allele origin: germline. Inheritance: Autosomal recessive inheritance.

Breakthrough Genomics
Classification: Benign. Review status: criteria provided, single submitter. Criteria: ACMG Guidelines, 2015. Collection method: not provided. Allele origin: germline. Inheritance: Autosomal recessive inheritance. Affected: yes.

Clinical Genetics DNA and cytogenetics Diagnostics Lab, Erasmus MC, Erasmus Medical Center
Classification: Benign. Review status: no assertion criteria provided. Collection method: clinical testing. Allele origin: germline. Affected: yes. Study: VKGL Data-share Consensus. Not counted in ClinVar's aggregate classification.

Joint Genome Diagnostic Labs from Nijmegen and Maastricht, Radboudumc and MUMC+
Classification: Benign. Review status: no assertion criteria provided. Collection method: clinical testing. Allele origin: germline. Affected: yes. Study: VKGL Data-share Consensus. Not counted in ClinVar's aggregate classification.